The following is an entry in ClinVar:

ClinVar aggregate classification (germline): Uncertain significance (1 of 4 stars; one submission).

Submission:

Ambry Genetics
Classification: Uncertain significance. Last evaluated: 2025-04-20. Review status: criteria provided, single submitter. Criteria: Ambry Variant Classification Scheme 2023. Collection method: clinical testing. Allele origin: germline.
Comment: The p.T478R variant (also known as c.1433C>G), located in coding exon 2 of the CDK12 gene, results from a C to G substitution at nucleotide position 1433. The threonine at codon 478 is replaced by arginine, an amino acid with similar properties. This amino acid position is conserved. In addition, this alteration is predicted to be tolerated by in silico analysis. Based on the available evidence, the clinical significance of this variant remains unclear.

NM_016507.4(CDK12):c.1433C>G (p.Thr478Arg)

Gene: CDK12 (cyclin dependent kinase 12; plus strand). Cytogenetic location: 17q12.
Variant type: single nucleotide variant.
Coding change: c.1433C>G on transcript NM_016507.4 (MANE Select); coding-DNA position 1433, C replaced by G.
Protein change: p.Thr478Arg; replaces threonine 478 with arginine.
Molecular consequence: missense variant.
Genome position (GRCh38, 1-based): chr17:39,471,265, C>G. VCF-style: chr17-39471265-C-G. GRCh37 (hg19) VCF-style: chr17-37627518-C-G.
Other names: c.1433C>G, p.Thr478Arg (NM_015083.4); short protein forms T478R.
Identifiers: ClinVar variation 3999384 (VCV003999384.1).